The following is an entry in ClinVar:

NM_001034853.2(RPGR):c.1129T>C (p.Phe377Leu)

Gene: RPGR (retinitis pigmentosa GTPase regulator; minus strand). Cytogenetic location: Xp11.4.
Variant type: single nucleotide variant.
Coding change: c.1129T>C on transcript NM_001034853.2 (MANE Select); coding-DNA position 1129, T replaced by C.
Protein change: p.Phe377Leu; replaces phenylalanine 377 with leucine.
Molecular consequence: missense variant. On other transcripts: non-coding transcript variant (6), intron variant (2).
Genome position (GRCh38, 1-based): chrX:38,299,072, A>G on the plus strand (T>C on the coding strand, the complement: RPGR is on the minus strand). VCF-style: chrX-38299072-A-G. GRCh37 (hg19) VCF-style: chrX-38158325-A-G.
Other names: c.1129T>C (NM_001034853.1); c.1129T>C, p.Phe377Leu (NM_000328.3, NM_001367247.1); c.1126T>C, p.Phe376Leu (NM_001367245.1, NM_001367249.1, NM_001367250.1); c.1159T>C, p.Phe387Leu (NM_001367248.1); c.1060-1620T>C (NM_001367251.1, NM_001367246.1); short protein forms F387L, F376L, F377L.
Identifiers: ClinVar variation 2995948 (VCV002995948.4), dbSNP rs758542643, ClinGen allele CA10385535.
Genomic context (GRCh38, chrX:38,299,072, plus strand): 5'-TTAAACTGCTATACGGCAGAAAAGTCGCCACAGATAAGCAAGTATCATTTATTTCATCGA[A>G]TTCAATTTCTTTTGCCACACCACGATGAGGAGCAGCAAAAACTACCATGTGACATCCACC-3'
Protein context (NP_001030025.1, residues 367-387): PHRGVAKEIE[Phe377Leu]DEINDTCLSV

ClinVar aggregate classification (germline): Conflicting classifications of pathogenicity. Review status: criteria provided, conflicting classifications (1 of 4 stars). 2 submissions from 2 submitters: Uncertain significance (1); Likely benign (1). Last evaluated 2024-09-06.

Conditions:
Primary ciliary dyskinesia. Also called: Ciliary dyskinesia. Identifiers: Orphanet 244, MedGen C0008780, MONDO:0016575, HP:0012265.

Allele frequency attached by ClinVar (database versions not stated): gnomAD exomes 0.00001; TOPMed 0.00001; ExAC 0.00004; gnomAD 0.00004.
gnomAD v4.1: 19 of 1,210,116 alleles (0.0016%); highest among the groups gnomAD compares: Non-Finnish European, 0.0021%; no homozygotes.

Submissions (2):

GeneDx
Classification: Uncertain significance. Last evaluated: 2024-09-06. Review status: criteria provided, single submitter. Criteria: GeneDx Variant Classification Process June 2021. Collection method: clinical testing. Allele origin: germline. Affected: yes.
Comment: In silico analysis indicates that this missense variant does not alter protein structure/function; Has not been previously published as pathogenic or benign to our knowledge

Labcorp Genetics (formerly Invitae), Labcorp
Classification: Likely benign for Primary ciliary dyskinesia. Last evaluated: 2023-12-10. Review status: criteria provided, single submitter. Criteria: Invitae Variant Classification Sherloc (09022015). Collection method: clinical testing. Allele origin: germline.